The following is an entry in ClinVar:

ClinVar aggregate classification (germline): Uncertain significance (1 of 4 stars; one submission).

Conditions:
Dystonia 12 (DYT12). Also called: Rapid-Onset Dystonia-Parkinsonism (RDP); DYT-ATP1A3. Identifiers: Orphanet 71517, MedGen C1868681, MONDO:0007496, OMIM 128235.

Allele frequency attached by ClinVar (database versions not stated): TOPMed below 0.00001.

Submission:

Labcorp Genetics (formerly Invitae), Labcorp
Classification: Uncertain significance for Dystonia 12. Last evaluated: 2021-09-10. Review status: criteria provided, single submitter. Criteria: Invitae Variant Classification Sherloc (09022015). Collection method: clinical testing. Allele origin: germline.
Comment: Advanced modeling of protein sequence and biophysical properties (such as structural, functional, and spatial information, amino acid conservation, physicochemical variation, residue mobility, and thermodynamic stability) performed at Invitae indicates that this missense variant is expected to disrupt ATP1A3 protein function. In summary, the available evidence is currently insufficient to determine the role of this variant in disease. Therefore, it has been classified as a Variant of Uncertain Significance. This variant has not been reported in the literature in individuals affected with ATP1A3-related conditions. This sequence change replaces alanine with proline at codon 652 of the ATP1A3 protein (p.Ala652Pro). The alanine residue is highly conserved and there is a small physicochemical difference between alanine and proline. This variant is not present in population databases (ExAC no frequency).

NM_152296.5(ATP1A3):c.1954G>C (p.Ala652Pro)

Gene: ATP1A3 (ATPase Na+/K+ transporting subunit alpha 3; minus strand). Cytogenetic location: 19q13.2.
Variant type: single nucleotide variant.
Coding change: c.1954G>C on transcript NM_152296.5 (MANE Select); coding-DNA position 1954, G replaced by C.
Protein change: p.Ala652Pro; replaces alanine 652 with proline.
Molecular consequence: missense variant.
Genome position (GRCh38, 1-based): chr19:41,976,556, C>G on the plus strand (G>C on the coding strand, the complement: ATP1A3 is on the minus strand). VCF-style: chr19-41976556-C-G. GRCh37 (hg19) VCF-style: chr19-42480708-C-G.
Other names: c.1987G>C, p.Ala663Pro (NM_001256213.2); c.1993G>C, p.Ala665Pro (NM_001256214.2); short protein forms A663P, A652P, A665P.
Identifiers: ClinVar variation 1518473 (VCV001518473.6), dbSNP rs2075173086, ClinGen allele CA406043608.